The following is an entry in ClinVar:

ClinVar aggregate classification (germline): Likely pathogenic (1 of 4 stars; one submission).

Submission:

Genetic Services Laboratory, University of Chicago
Classification: Likely pathogenic. Last evaluated: 2024-06-21. Review status: criteria provided, single submitter. Criteria: ACMG Guidelines, 2015. Collection method: clinical testing. Allele origin: germline. Affected: yes.
Comment: DNA sequence analysis of the PKD2 gene demonstrated a 2 base pair deletion in exon 4, c.915_916del. This pathogenic sequence change results in an amino acid frameshift and creates a premature stop codon 7 amino acids downstream of the change, (p.Asn305Lysfs*7). This pathogenic sequence change is predicted to result in an abnormal transcript, which may be degraded, or may lead to the production of a truncated PKD2 protein with potentially abnormal function. The c.915_916 sequence change has not been described in the population databases such as ExAC and gnomAD. While this sequence change has not previously been described in the literature, other frameshift truncating variants in the PKD2 gene have been described in several individuals with PKD2-related disorders (PMID: 11438989, 26453610, 29801666).

NM_000297.4(PKD2):c.915_916del (p.Asn305fs)

Gene: PKD2 (polycystin 2, transient receptor potential cation channel; plus strand). Cytogenetic location: 4q22.1.
Variant type: Deletion.
Coding change: c.915_916del on transcript NM_000297.4 (MANE Select); coding-DNA positions 915 to 916, 2 bases deleted (CC; older notation c.915_916delCC).
Protein change: p.Asn305fs; shifts the reading frame from asparagine 305.
Molecular consequence: frameshift variant. On other transcripts: non-coding transcript variant (1).
Genome position (GRCh38, 1-based): chr4:88,038,322-88,038,323, CC deleted. VCF-style (leftmost placement, unchanged base first): chr4-88038321-ACC-A. GRCh37 (hg19) VCF-style: chr4-88959473-ACC-A.
Other names: c.915_916del, p.Asn305fs (NM_001440544.1); short protein forms N305fs.
Identifiers: ClinVar variation 4082498 (VCV004082498.2).